The following is an entry in ClinVar:

ClinVar aggregate classification (germline): Uncertain significance. Review status: criteria provided, multiple submitters, no conflicts (2 of 4 stars). 2 submissions from 2 submitters: Uncertain significance (2). Last evaluated 2024-07-23.

Conditions:
Severe combined immunodeficiency due to DNA-PKcs deficiency. Also called: IMMUNODEFICIENCY 26 WITH NEUROLOGIC ABNORMALITIES; Immunodeficiency 26 with or without neurologic abnormalities. Identifiers: Orphanet 317425, MedGen C4014833, MONDO:0014423, OMIM 615966.

Submissions (2):

Ambry Genetics
Classification: Uncertain significance. Last evaluated: 2024-07-23. Review status: criteria provided, single submitter. Criteria: Ambry Variant Classification Scheme 2023. Collection method: clinical testing. Allele origin: germline.
Comment: The p.L277V variant (also known as c.829C>G), located in coding exon 10 of the PRKDC gene, results from a C to G substitution at nucleotide position 829. The leucine at codon 277 is replaced by valine, an amino acid with highly similar properties. This amino acid position is conserved. In addition, this alteration is predicted to be tolerated by in silico analysis. Based on the available evidence, the clinical significance of this variant remains unclear.

Labcorp Genetics (formerly Invitae), Labcorp
Classification: Uncertain significance for Severe combined immunodeficiency due to DNA-PKcs deficiency. Last evaluated: 2022-05-23. Review status: criteria provided, single submitter. Criteria: Invitae Variant Classification Sherloc (09022015). Collection method: clinical testing. Allele origin: germline.
Comment: This sequence change replaces leucine, which is neutral and non-polar, with valine, which is neutral and non-polar, at codon 277 of the PRKDC protein (p.Leu277Val). This variant is not present in population databases (gnomAD no frequency). In summary, the available evidence is currently insufficient to determine the role of this variant in disease. Therefore, it has been classified as a Variant of Uncertain Significance. Experimental studies and prediction algorithms are not available or were not evaluated, and the functional significance of this variant is currently unknown. This variant has not been reported in the literature in individuals affected with PRKDC-related conditions.

NM_006904.7(PRKDC):c.829C>G (p.Leu277Val)

Gene: PRKDC (protein kinase, DNA-activated, catalytic subunit; minus strand). Cytogenetic location: 8q11.21.
Variant type: single nucleotide variant.
Coding change: c.829C>G on transcript NM_006904.7 (MANE Select); coding-DNA position 829, C replaced by G.
Protein change: p.Leu277Val; replaces leucine 277 with valine.
Molecular consequence: missense variant.
Genome position (GRCh38, 1-based): chr8:47,943,346, G>C on the plus strand (C>G on the coding strand, the complement: PRKDC is on the minus strand). VCF-style: chr8-47943346-G-C. GRCh37 (hg19) VCF-style: chr8-48855906-G-C.
Other names: c.829C>G, p.Leu277Val (NM_001081640.2); short protein forms L277V.
Identifiers: ClinVar variation 1961862 (VCV001961862.4), dbSNP rs1341089923, ClinGen allele CA371136285.
Genomic context (GRCh38, chr8:47,943,346, plus strand): 5'-AGACTTCAAATAGAGACACGTAGTTGTCCAGAAGGCAGGTGCTAAACTGAGATGCATGCA[G>C]GGCAAATAGGCGCAAGCCAGCTGCAAATGCAAATGCCATTATATTTAAAATCAGACGACA-3'
Protein context (NP_008835.5, residues 267-287): VPSAGLRLFA[Leu277Val]HASQFSTCLL